The following is an entry in ClinVar:

NM_002055.5(GFAP):c.31C>G (p.Arg11Gly)

Gene: GFAP (glial fibrillary acidic protein; minus strand). Cytogenetic location: 17q21.31.
Variant type: single nucleotide variant.
Coding change: c.31C>G on transcript NM_002055.5 (MANE Select); coding-DNA position 31, C replaced by G.
Protein change: p.Arg11Gly; replaces arginine 11 with glycine.
Molecular consequence: missense variant.
Genome position (GRCh38, 1-based): chr17:44,915,456, G>C on the plus strand (C>G on the coding strand, the complement: GFAP is on the minus strand). VCF-style: chr17-44915456-G-C. GRCh37 (hg19) VCF-style: chr17-42992824-G-C.
Other names: NM_002055.5(GFAP):c.31C>G; p.Arg11Gly; c.31C>G, p.Arg11Gly (NM_001131019.3, NM_001242376.3, NM_001363846.2); short protein forms R11G.
Identifiers: ClinVar variation 2496557 (VCV002496557.3), dbSNP rs749815672, ClinGen allele CA399849224.

ClinVar aggregate classification (germline): Uncertain significance. Review status: reviewed by expert panel (3 of 4 stars). 2 submissions from 2 submitters: Uncertain significance (1). 1 of the submissions does not count toward it. Last evaluated 2026-08-17.

Conditions:
Inborn genetic diseases. Identifiers: MedGen C0950123, MeSH D030342.
Alexander disease (ALXDRD). Also called: Alexander's disease. Identifiers: Orphanet 58, MedGen C0270726, MONDO:0008752, OMIM 203450.

gnomAD v4.1: 4 of 1,601,298 alleles (0.00025%); highest among the groups gnomAD compares: Non-Finnish European, 0.00026%; no homozygotes.

Submissions (2):

ClinGen Leukodystrophy and Leukoencephalopathy Variant Curation Expert Panel, ClinGen
Classification: Uncertain significance for Alexander disease. Last evaluated: 2026-08-17. Review status: reviewed by expert panel. Criteria: ClinGen Leuko ACMG Specifications GFAP V1.0. Collection method: curation. Allele origin: germline. Inheritance: Autosomal dominant inheritance.
Comment: The c.31C>G variant in GFAP is a missense variant predicted to cause substitution of arginine by glycine at amino acid 11 (p.Arg11Gly). The Total GrpMax filtering allele frequency (the lower threshold of the 95% CI of 3/1174618) in gnomAD v4.1.1 is 0.00000068 in European (non-Finnish) population (PM2_Supporting, BS1, and BA1 are not met). This variant was identified in a proband who does not meet clinical criteria for Alexander disease (ClinVar ID: 2496557; Personal communication, Ambry Genetics ClinVar SCV003913529.2). In summary, this variant meets the criteria to be classified as a variant of uncertain significance for Alexander disease based on the ACMG/AMP criteria applied, as specified by the ClinGen Leukodystrophy and Leukoencephalopathy Expert Panel: N/A (ClinGen Leukodystrophy and Leukoencephalopathy VCEP Specifications Version 1.0.0).

Ambry Genetics
Classification: Uncertain significance for Inborn genetic diseases. Last evaluated: 2023-03-14. Review status: criteria provided, single submitter. Criteria: Ambry Variant Classification Scheme 2023. Collection method: clinical testing. Allele origin: germline. Not counted in ClinVar's aggregate classification.